The following is an entry in ClinVar:

NM_006206.6(PDGFRA):c.2221C>T (p.Gln741Ter)

Gene: PDGFRA (platelet derived growth factor receptor alpha; plus strand). Cytogenetic location: 4q12.
Variant type: single nucleotide variant.
Coding change: c.2221C>T on transcript NM_006206.6 (MANE Select); coding-DNA position 2221, C replaced by T.
Protein change: p.Gln741Ter; replaces glutamine 741 with a stop codon.
Molecular consequence: nonsense.
Genome position (GRCh38, 1-based): chr4:54,280,380, C>T. VCF-style: chr4-54280380-C-T. GRCh37 (hg19) VCF-style: chr4-55146547-C-T.
Other names: c.2221C>T, p.Gln741Ter (NM_001347827.2, NM_001347829.2); c.2296C>T, p.Gln766Ter (NM_001347828.2); c.2260C>T, p.Gln754Ter (NM_001347830.2); short protein forms Q741*, Q766*, Q754*.
Identifiers: ClinVar variation 931718 (VCV000931718.3), dbSNP rs1724006429, ClinGen allele CA356894339.

ClinVar aggregate classification (germline): Uncertain significance (1 of 4 stars; one submission).

Conditions:
Idiopathic hypereosinophilic syndrome (HES). Identifiers: Orphanet 3260, MedGen C0206141, MONDO:0011895, OMIM 607685. Disease mechanism: gain of function.

Submission:

Centre for Mendelian Genomics, University Medical Centre Ljubljana
Classification: Uncertain significance for Idiopathic hypereosinophilic syndrome. Last evaluated: 2019-11-14. Review status: criteria provided, single submitter. Criteria: ACMG Guidelines, 2015. Collection method: clinical testing. Allele origin: unknown. Affected: yes.
Comment: This variant was classified as: Uncertain significance. The available evidence on this variant's pathogenicity is insufficient or conflicting. The following ACMG criteria were applied in classifying this variant: PM2,PP3.